The following is an entry in ClinVar:

ClinVar aggregate classification (germline): Pathogenic (1 of 4 stars; one submission).

Submission:

Labcorp Genetics (formerly Invitae), Labcorp
Classification: Pathogenic. Last evaluated: 2024-02-24. Review status: criteria provided, single submitter. Criteria: Invitae Variant Classification Sherloc (09022015). Collection method: clinical testing. Allele origin: germline.
Comment: This sequence change creates a premature translational stop signal (p.Glu275Lysfs*20) in the CACNA1F gene. It is expected to result in an absent or disrupted protein product. Loss-of-function variants in CACNA1F are known to be pathogenic (PMID: 9662399, 11281458, 17525176, 22194652, 24124559, 26992781). This variant is not present in population databases (gnomAD no frequency). This variant has not been reported in the literature in individuals affected with CACNA1F-related conditions. ClinVar contains an entry for this variant (Variation ID: 1371623). For these reasons, this variant has been classified as Pathogenic.

Literature cited by the submitters: PubMed 9662399; PubMed 11281458; PubMed 17525176; PubMed 22194652; PubMed 24124559; PubMed 26992781.

NM_001256789.3(CACNA1F):c.823del (p.Glu275fs)

Gene: CACNA1F (calcium voltage-gated channel subunit alpha1 F; minus strand). Cytogenetic location: Xp11.23.
Variant type: Deletion.
Coding change: c.823del on transcript NM_001256789.3 (MANE Select); coding-DNA position 823, one base deleted (G; older notation c.823delG).
Protein change: p.Glu275fs; shifts the reading frame from glutamic acid 275.
Molecular consequence: frameshift variant.
Genome position (GRCh38, 1-based): chrX:49,228,442, C deleted on the plus strand (G on the coding strand, the reverse complement: CACNA1F is on the minus strand); the first of 2 consecutive C bases (chrX:49,228,442-49,228,443); deleting either gives the same sequence. VCF-style (leftmost placement, unchanged base first): chrX-49228441-TC-T. GRCh37 (hg19) VCF-style: chrX-49084903-TC-T.
Other names: c.628del, p.Glu210fs (NM_001256790.3); c.823del, p.Glu275fs (NM_005183.4); short protein forms E210fs, E275fs.
Identifiers: ClinVar variation 1371623 (VCV001371623.6), dbSNP rs2147921791, ClinGen allele CA2573159005.